The following is an entry in ClinVar:

ClinVar aggregate classification (germline): Likely benign. Review status: criteria provided, multiple submitters, no conflicts (2 of 4 stars). 3 submissions from 3 submitters: Likely benign (3). Last evaluated 2025-02-17.

Conditions:
Inborn genetic diseases. Identifiers: MedGen C0950123, MeSH D030342.
Niemann-Pick disease, type C1. Also called: NIEMANN-PICK DISEASE, VARIANT TYPE C1; NEUROVISCERAL STORAGE DISEASE WITH VERTICAL SUPRANUCLEAR OPHTHALMOPLEGIA; NIEMANN-PICK DISEASE WITH CHOLESTEROL ESTERIFICATION BLOCK; NIEMANN-PICK DISEASE WITHOUT SPHINGOMYELINASE DEFICIENCY; NIEMANN-PICK DISEASE, CHRONIC NEURONOPATHIC FORM. Identifiers: Orphanet 646, MedGen C3179455, MONDO:0009757, OMIM 257220.
NPC1-related disorder. Also called: NPC1-related condition.

Allele frequency attached by ClinVar (database versions not stated): gnomAD 0.00001; TOPMed 0.00002.
gnomAD v4.1: 1 of 1,613,958 alleles (0.000062%); highest among the groups gnomAD compares: Admixed American, 0.0017%; no homozygotes.

Submissions (3):

PreventionGenetics, part of Exact Sciences
Classification: Likely benign for NPC1-related condition. Last evaluated: 2025-02-17. Review status: criteria provided, single submitter. Criteria: ACMG Guidelines, 2015. Collection method: clinical testing. Allele origin: germline.
Comment: This variant is classified as likely benign based on ACMG/AMP sequence variant interpretation guidelines (Richards et al. 2015 PMID: 25741868, with internal and published modifications).

Ambry Genetics
Classification: Likely benign for Inborn genetic diseases. Last evaluated: 2024-05-26. Review status: criteria provided, single submitter. Criteria: Ambry Variant Classification Scheme 2023. Collection method: clinical testing. Allele origin: germline.

Labcorp Genetics (formerly Invitae), Labcorp
Classification: Likely benign for Niemann-Pick disease, type C1. Last evaluated: 2023-10-10. Review status: criteria provided, single submitter. Criteria: Invitae Variant Classification Sherloc (09022015). Collection method: clinical testing. Allele origin: germline.

NM_000271.5(NPC1):c.447A>G (p.Gly149=)

Gene: NPC1 (NPC intracellular cholesterol transporter 1; minus strand). Cytogenetic location: 18q11.2.
Variant type: single nucleotide variant.
Coding change: c.447A>G on transcript NM_000271.5 (MANE Select); coding-DNA position 447, A replaced by G.
Protein change: p.Gly149=; no amino-acid change (glycine 149 retained).
Molecular consequence: synonymous variant.
Genome position (GRCh38, 1-based): chr18:23,568,839, T>C on the plus strand (A>G on the coding strand, the complement: NPC1 is on the minus strand). VCF-style: chr18-23568839-T-C. GRCh37 (hg19) VCF-style: chr18-21148803-T-C.
Other names: c.447A>G (NM_000271.4).
Identifiers: ClinVar variation 2919577 (VCV002919577.5), dbSNP rs1171390165, ClinGen allele CA503325567.